The following is an entry in ClinVar:

NM_007272.3(CTRC):c.248G>A (p.Arg83His)

Gene: CTRC (chymotrypsin C; plus strand). Cytogenetic location: 1p36.21.
Variant type: single nucleotide variant.
Coding change: c.248G>A on transcript NM_007272.3 (MANE Select); coding-DNA position 248, G replaced by A.
Protein change: p.Arg83His; replaces arginine 83 with histidine.
Molecular consequence: missense variant.
Genome position (GRCh38, 1-based): chr1:15,442,464, G>A. VCF-style: chr1-15442464-G-A. GRCh37 (hg19) VCF-style: chr1-15768960-G-A.
Other names: short protein forms R83H.
Identifiers: ClinVar variation 993690 (VCV000993690.15), dbSNP rs781768384, ClinGen allele CA613294.
Genomic context (GRCh38, chr1:15,442,464, plus strand): 5'-GGACCAGGGGGCCACCCTGACCTGGACCCCTTCCTCTGCCCAGCAACACCCGGACCTACC[G>A]TGTGGCCGTGGGAAAGAACAACCTGGAGGTGGAAGACGAAGAAGGATCCCTGTTTGTGGG-3'
Protein context (NP_009203.2, residues 73-93): AHCISNTRTY[Arg83His]VAVGKNNLEV

ClinVar aggregate classification (germline): Uncertain significance. Review status: criteria provided, multiple submitters, no conflicts (2 of 4 stars). 3 submissions from 3 submitters: Uncertain significance (3). Last evaluated 2025-10-02.

Conditions:
Hereditary pancreatitis (PCTT). Also called: PRSS1-Related Hereditary Pancreatitis; Hereditary chronic pancreatitis. Identifiers: Orphanet 676, MedGen C0238339, MONDO:0008185, OMIM 167800.

Allele frequency attached by ClinVar (database versions not stated): gnomAD exomes below 0.00001 and 0.00002; ExAC 0.00001; TOPMed 0.00001.

Submissions (3):

Ambry Genetics
Classification: Uncertain significance for Hereditary pancreatitis. Last evaluated: 2025-10-02. Review status: criteria provided, single submitter. Criteria: Ambry Variant Classification Scheme 2023. Collection method: clinical testing. Allele origin: germline.
Comment: The p.R83H variant (also known as c.248G>A), located in coding exon 4 of the CTRC gene, results from a G to A substitution at nucleotide position 248. The arginine at codon 83 is replaced by histidine, an amino acid with highly similar properties. This amino acid position is highly conserved in available vertebrate species. In addition, this alteration is predicted to be deleterious by in silico analysis. Since supporting evidence is limited at this time, the clinical significance of this alteration remains unclear.

Labcorp Genetics (formerly Invitae), Labcorp
Classification: Uncertain significance for Hereditary pancreatitis. Last evaluated: 2022-07-31. Review status: criteria provided, single submitter. Criteria: Invitae Variant Classification Sherloc (09022015). Collection method: clinical testing. Allele origin: germline.
Comment: This variant is present in population databases (rs781768384, gnomAD 0.006%). This sequence change replaces arginine, which is basic and polar, with histidine, which is basic and polar, at codon 83 of the CTRC protein (p.Arg83His). In summary, the available evidence is currently insufficient to determine the role of this variant in disease. Therefore, it has been classified as a Variant of Uncertain Significance. Algorithms developed to predict the effect of missense changes on protein structure and function (SIFT, PolyPhen-2, Align-GVGD) all suggest that this variant is likely to be disruptive. ClinVar contains an entry for this variant (Variation ID: 993690). This variant has not been reported in the literature in individuals affected with CTRC-related conditions.

ARUP Laboratories, Molecular Genetics and Genomics, ARUP Laboratories
Classification: Uncertain significance for Hereditary pancreatitis. Last evaluated: 2020-04-07. Review status: criteria provided, single submitter. Criteria: ARUP Molecular Germline Variant Investigation Process. Collection method: clinical testing. Allele origin: germline.
Comment: The CTRC c.248G>A; p.Arg83His variant (rs781768384), to our knowledge, is not reported in the medical literature or gene specific databases. This variant is only observed on one allele in the Genome Aggregation Database, indicating it is not a common polymorphism. The arginine at codon 83 is highly conserved and computational analyses (SIFT, PolyPhen-2) predict that this variant is deleterious. Due to limited information, the clinical significance of the p.Arg83His variant is uncertain at this time.